The following is an entry in ClinVar:

ClinVar aggregate classification (germline): Pathogenic. Review status: criteria provided, multiple submitters, no conflicts (2 of 4 stars). 2 submissions from 2 submitters: Pathogenic (2). Last evaluated 2020-02-29.

Conditions:
Familial adenomatous polyposis 1 (FAP1). Also called: FAMILIAL ADENOMATOUS POLYPOSIS 1, ATTENUATED; POLYPOSIS, ADENOMATOUS INTESTINAL. Identifiers: MedGen C2713442, MONDO:0021056, OMIM 175100. Disease mechanism: loss of function.

Submissions (2):

Labcorp Genetics (formerly Invitae), Labcorp
Classification: Pathogenic for Familial adenomatous polyposis 1. Last evaluated: 2020-02-29. Review status: criteria provided, single submitter. Criteria: Invitae Variant Classification Sherloc (09022015). Collection method: clinical testing. Allele origin: germline.
Comment: A different truncation (p.Tyr2645Lysfs*14) that lies downstream of this variant has been determined to be pathogenic (PMID: 9824584, 1316610, 27081525, 8381579, 22135120, Invitae). This suggests that deletion of this region of the APC protein is causative of disease. For these reasons, this variant has been classified as Pathogenic. This variant is expected to disrupt the EB1 and HDLG binding sites, which mediate interactions with the cytoskeleton (PMID: 15311282, 17293347). While functional studies have not been performed to directly test the effect on APC protein function, this suggests that disruption of the C-terminal portion of the protein is functionally important. This variant has not been reported in the literature in individuals with APC-related conditions. ClinVar contains an entry for this variant (Variation ID: 618529). This variant is not present in population databases (ExAC no frequency). This sequence change results in a premature translational stop signal in the APC gene (p.Tyr863*). While this is not anticipated to result in nonsense mediated decay, it is expected to disrupt the last 1981 amino acids of the APC protein.

ARUP Laboratories, Molecular Genetics and Genomics, ARUP Laboratories
Classification: Pathogenic. Last evaluated: 2018-06-04. Review status: criteria provided, single submitter. Criteria: ARUP Molecular Germline Variant Investigation Process. Collection method: clinical testing. Allele origin: germline.
Comment: The APC c.2589C>A; p.Tyr863Ter variant, to our knowledge, is not reported in the medical literature or gene specific databases. However, a different nucleotide alteration causing the same protein effect (c.2589C>G; p.Tyr863Ter) is reported in an individual with familial adenomatous polyposis (Friedl 2005). The p.Tyr863Ter variant is absent from the general population databases (1000 Genomes Project, Exome Variant Server, and Genome Aggregation Database), indicating it is not a common polymorphism. This variant induces an early termination codon and is predicted to result in a truncated protein or mRNA subject to nonsense-mediated decay. Based on available information, this variant is considered to be pathogenic. REFERENCES Friedl W et al. Familial adenomatous polyposis: experience from a study of 1164 unrelated german polyposis patients. Hered Cancer Clin Pract. 2005 Sep 15;3(3):95-114.

Literature cited by the submitters: PubMed 9824584 (cited by Labcorp Genetics (formerly Invitae), Labcorp); PubMed 1316610 (cited by Labcorp Genetics (formerly Invitae), Labcorp); PubMed 27081525 (cited by Labcorp Genetics (formerly Invitae), Labcorp); PubMed 8381579 (cited by Labcorp Genetics (formerly Invitae), Labcorp); PubMed 22135120 (cited by Labcorp Genetics (formerly Invitae), Labcorp); PubMed 15311282 (cited by Labcorp Genetics (formerly Invitae), Labcorp); PubMed 17293347 (cited by Labcorp Genetics (formerly Invitae), Labcorp).

NM_000038.6(APC):c.2589C>A (p.Tyr863Ter)

Gene: APC (APC regulator of Wnt signaling pathway; plus strand). Cytogenetic location: 5q22.2.
Variant type: single nucleotide variant.
Coding change: c.2589C>A on transcript NM_000038.6 (MANE Select); coding-DNA position 2589, C replaced by A.
Protein change: p.Tyr863Ter; replaces tyrosine 863 with a stop codon.
Molecular consequence: nonsense.
Genome position (GRCh38, 1-based): chr5:112,838,183, C>A. VCF-style: chr5-112838183-C-A. GRCh37 (hg19) VCF-style: chr5-112173880-C-A.
Other names: c.2589C>A, p.Tyr863Ter (NM_001127510.3, NM_001354895.2); c.2535C>A, p.Tyr845Ter (NM_001127511.3); c.2643C>A, p.Tyr881Ter (NM_001354896.2); c.2619C>A, p.Tyr873Ter (NM_001354897.2); c.2514C>A, p.Tyr838Ter (NM_001354898.2); c.2505C>A, p.Tyr835Ter (NM_001354899.2); c.2466C>A, p.Tyr822Ter (NM_001354900.2); c.2412C>A, p.Tyr804Ter (NM_001354901.2); and 5 more; short protein forms Y845*, Y863*, Y580*, Y737*, Y772*, Y804*, Y835*, Y838*.
Identifiers: ClinVar variation 618529 (VCV000618529.17), dbSNP rs1561578229, ClinGen allele CA16027001.